The following is an entry in ClinVar:

ClinVar aggregate classification (germline): Uncertain significance (1 of 4 stars; one submission).

Submission:

GeneDx
Classification: Uncertain significance. Last evaluated: 2023-06-01. Review status: criteria provided, single submitter. Criteria: GeneDx Variant Classification Process June 2021. Collection method: clinical testing. Allele origin: germline. Affected: yes.
Comment: In silico analysis supports that this missense variant has a deleterious effect on protein structure/function; Not observed at significant frequency in large population cohorts (gnomAD); Has not been previously published as pathogenic or benign to our knowledge

NM_001330288.2(SMARCC2):c.2857T>G (p.Tyr953Asp)

Gene: SMARCC2 (SWI/SNF related BAF chromatin remodeling complex subunit C2; minus strand). Cytogenetic location: 12q13.2.
Variant type: single nucleotide variant.
Coding change: c.2857T>G on transcript NM_001330288.2 (MANE Select); coding-DNA position 2857, T replaced by G.
Protein change: p.Tyr953Asp; replaces tyrosine 953 with aspartic acid.
Molecular consequence: missense variant.
Genome position (GRCh38, 1-based): chr12:56,165,693, A>C on the plus strand (T>G on the coding strand, the complement: SMARCC2 is on the minus strand). VCF-style: chr12-56165693-A-C. GRCh37 (hg19) VCF-style: chr12-56559477-A-C.
Other names: c.2857T>G, p.Tyr953Asp (NM_001130420.3, NM_139067.4); c.2764T>G, p.Tyr922Asp (NM_003075.5); short protein forms Y922D, Y953D.
Identifiers: ClinVar variation 3362031 (VCV003362031.1).
Genomic context (GRCh38, chr12:56,165,693, plus strand): 5'-CATACTTCAGCTGCTCCATGTGGAAGGCTTGTCTGTCGGCCAGGAGCTGCTGCCTCTGAT[A>C]CTCCAGCTGCCAGTGCCAATTGAGTATTGTTATCCAATTTTCAGCAGATCCCAAAGGCAA-3'
Protein context (NP_001317217.1, residues 943-963): IMDREREALE[Tyr953Asp]QRQQLLADRQ